The following is an entry in ClinVar:

NM_080473.5(GATA5):c.187G>A (p.Gly63Ser)

Gene: GATA5 (GATA binding protein 5; minus strand). Cytogenetic location: 20q13.33.
Variant type: single nucleotide variant.
Coding change: c.187G>A on transcript NM_080473.5 (MANE Select); coding-DNA position 187, G replaced by A.
Protein change: p.Gly63Ser; replaces glycine 63 with serine.
Molecular consequence: missense variant.
Genome position (GRCh38, 1-based): chr20:62,475,335, C>T on the plus strand (G>A on the coding strand, the complement: GATA5 is on the minus strand). VCF-style: chr20-62475335-C-T. GRCh37 (hg19) VCF-style: chr20-61050391-C-T.
Other names: short protein forms G63S.
Identifiers: ClinVar variation 1485867 (VCV001485867.8), dbSNP rs975107982, ClinGen allele CA317288626.

ClinVar aggregate classification (germline): Uncertain significance. Review status: criteria provided, multiple submitters, no conflicts (2 of 4 stars). 2 submissions from 2 submitters: Uncertain significance (2). Last evaluated 2025-02-17.

gnomAD v4.1: 2 of 1,253,796 alleles (0.00016%); no homozygotes.

Submissions (2):

Dasa
Classification: Uncertain significance. Last evaluated: 2025-02-17. Review status: criteria provided, single submitter. Criteria: DASA Assertion Criteria. Collection method: clinical testing. Allele origin: germline.
Comment: NM_080473.5(GATA5):c.187G>A (p.Gly63Ser) is a missense variant that results in the substitution of glycine with serine. This variant is rare in population databases. Computational prediction algorithms are consistent with a benign effect. The currently available literature and clinical evidence are not sufficient to establish a definitive association between this variant and the reported condition. Therefore, this variant is classified as a variant of uncertain significance.

Labcorp Genetics (formerly Invitae), Labcorp
Classification: Uncertain significance. Last evaluated: 2022-01-26. Review status: criteria provided, single submitter. Criteria: Invitae Variant Classification Sherloc (09022015). Collection method: clinical testing. Allele origin: germline.
Comment: In summary, the available evidence is currently insufficient to determine the role of this variant in disease. Therefore, it has been classified as a Variant of Uncertain Significance. Algorithms developed to predict the effect of sequence changes on RNA splicing suggest that this variant may create or strengthen a splice site. Algorithms developed to predict the effect of missense changes on protein structure and function output the following: SIFT: "Tolerated"; PolyPhen-2: "Benign"; Align-GVGD: "Class C0". The serine amino acid residue is found in multiple mammalian species, which suggests that this missense change does not adversely affect protein function. This variant has not been reported in the literature in individuals affected with GATA5-related conditions. This variant is not present in population databases (gnomAD no frequency). This sequence change replaces glycine, which is neutral and non-polar, with serine, which is neutral and polar, at codon 63 of the GATA5 protein (p.Gly63Ser).